The following is an entry in ClinVar:

NM_000051.4(ATM):c.2582A>T (p.Tyr861Phe)

Gene: ATM (ATM serine/threonine kinase; plus strand). Cytogenetic location: 11q22.3.
Variant type: single nucleotide variant.
Coding change: c.2582A>T on transcript NM_000051.4 (MANE Select); coding-DNA position 2582, A replaced by T.
Protein change: p.Tyr861Phe; replaces tyrosine 861 with phenylalanine.
Molecular consequence: missense variant.
Genome position (GRCh38, 1-based): chr11:108,267,286, A>T. VCF-style: chr11-108267286-A-T. GRCh37 (hg19) VCF-style: chr11-108138013-A-T.
Other names: c.2582A>T, p.Tyr861Phe (NM_001351834.2); short protein forms Y861F.
Identifiers: ClinVar variation 4866010 (VCV004866010.1).

ClinVar aggregate classification (germline): Uncertain significance (1 of 4 stars; one submission).

Conditions:
Hereditary cancer-predisposing syndrome. Also called: Neoplastic Syndromes, Hereditary; Tumor predisposition; Hereditary Cancer Syndrome; Hereditary neoplastic syndrome. Identifiers: Orphanet 140162, MedGen C0027672, MeSH D009386, MONDO:0015356.

Submission:

Ambry Genetics
Classification: Uncertain significance for Hereditary cancer-predisposing syndrome. Last evaluated: 2026-03-23. Review status: criteria provided, single submitter. Criteria: Ambry Variant Classification Scheme 2023. Collection method: clinical testing. Allele origin: germline.
Comment: The p.Y861F variant (also known as c.2582A>T), located in coding exon 16 of the ATM gene, results from an A to T substitution at nucleotide position 2582. The tyrosine at codon 861 is replaced by phenylalanine, an amino acid with highly similar properties. This amino acid position is conserved. In addition, this alteration is predicted to be tolerated by in silico analysis. Based on the available evidence, the clinical significance of this variant remains unclear.